The following is an entry in ClinVar:

ClinVar aggregate classification (germline): Conflicting classifications of pathogenicity. Review status: criteria provided, conflicting classifications (1 of 4 stars). 4 submissions from 4 submitters: Likely pathogenic (1); Uncertain significance (2). 1 of the submissions does not count toward it. Last evaluated 2025-03-18.

Conditions:
Cystic fibrosis (CF). Also called: MUCOVISCIDOSIS. Identifiers: Orphanet 586, MedGen C0010674, MONDO:0009061, OMIM 219700. Disease mechanism: loss of function.

Submissions (4):

Women's Health and Genetics/Laboratory Corporation of America, LabCorp
Classification: Likely pathogenic for Cystic fibrosis. Last evaluated: 2025-03-18. Review status: criteria provided, single submitter. Criteria: LabCorp Variant Classification Summary - May 2015. Collection method: clinical testing. Allele origin: germline.
Comment: Variant summary: CFTR c.3257C>T (p.Thr1086Ile) results in a non-conservative amino acid change in the encoded protein sequence. Four of five in-silico tools predict a damaging effect of the variant on protein function. The variant was absent in 251126 control chromosomes. c.3257C>T has been reported in the literature in at-least one individual affected with Cystic Fibrosis, who carries a second pathogenic CFTR variant (example: Alibakhshi_2008). At least one publication reports experimental evidence evaluating an impact on protein function. The most pronounced variant effect resulted in approximately 5.66% of normal chloride channel conductance relative to wild type (e.g., Bihler_2024). The following publications have been ascertained in the context of this evaluation (PMID: 17662673, 38388235, 36796836, 10923036, 27086061). ClinVar contains an entry for this variant (Variation ID: 53694). Based on the evidence outlined above, the variant was classified as likely pathogenic.

Genome-Nilou Lab
Classification: Uncertain significance for Cystic fibrosis. Last evaluated: 2021-09-05. Review status: criteria provided, single submitter. Criteria: ACMG Guidelines, 2015. Collection method: clinical testing. Allele origin: germline. Affected: no.

Mendelics
Classification: Uncertain significance for Cystic fibrosis. Last evaluated: 2018-11-05. Review status: criteria provided, single submitter. Criteria: Mendelics Assertion Criteria 2017. Collection method: clinical testing. Allele origin: unknown. Affected: yes.

Counsyl
Classification: Uncertain significance for Cystic fibrosis. Last evaluated: 2017-02-02. Review status: no assertion criteria provided. Collection method: clinical testing. Allele origin: unknown. Not counted in ClinVar's aggregate classification.

Literature cited by the submitters: PubMed 10923036 (cited by Women's Health and Genetics/Laboratory Corporation of America, LabCorp); PubMed 17662673 (cited by Women's Health and Genetics/Laboratory Corporation of America, LabCorp and Counsyl); PubMed 27086061 (cited by Women's Health and Genetics/Laboratory Corporation of America, LabCorp and Counsyl); PubMed 38388235 (cited by Women's Health and Genetics/Laboratory Corporation of America, LabCorp); PubMed 36796836 (cited by Women's Health and Genetics/Laboratory Corporation of America, LabCorp).

NM_000492.4(CFTR):c.3257C>T (p.Thr1086Ile)

Genes: CFTR (CF transmembrane conductance regulator; plus strand), CFTR-AS2 (CFTR antisense RNA 2; minus strand), LOC111674472 (DNase I hypersensitive sites in introns 16 and 17a of CFTR; plus strand). Cytogenetic location: 7q31.2.
Variant type: single nucleotide variant.
Coding change: c.3257C>T on transcript NM_000492.4 (MANE Select); coding-DNA position 3257, C replaced by T.
Protein change: p.Thr1086Ile; replaces threonine 1086 with isoleucine.
Molecular consequence: missense variant.
Genome position (GRCh38, 1-based): chr7:117,611,698, C>T. VCF-style: chr7-117611698-C-T. GRCh37 (hg19) VCF-style: chr7-117251752-C-T.
Other names: short protein forms T1086I.
Identifiers: ClinVar variation 53694 (VCV000053694.6), dbSNP rs77958296, ClinGen allele CA327112.
Genomic context (GRCh38, chr7:117,611,698, plus strand): 5'-GTGCCTTCGGACGGCAGCCTTACTTTGAAACTCTGTTCCACAAAGCTCTGAATTTACATA[C>T]TGCCAACTGGTTCTTGTACCTGTCAACACTGCGCTGGTTCCAAATGAGAATAGAAATGAT-3'
Protein context (NP_000483.3, residues 1076-1096): TLFHKALNLH[Thr1086Ile]ANWFLYLSTL